The following is an entry in ClinVar:

ClinVar aggregate classification (germline): Uncertain significance. Review status: criteria provided, multiple submitters, no conflicts (2 of 4 stars). 2 submissions from 2 submitters: Uncertain significance (2). Last evaluated 2024-04-24.

Allele frequency attached by ClinVar (database versions not stated): gnomAD exomes below 0.00001; gnomAD 0.00002; TOPMed 0.00002.
gnomAD v4.1: 5 of 1,599,762 alleles (0.00031%); highest among the groups gnomAD compares: African/African-American, 0.0027%; no homozygotes.

Submissions (2):

Labcorp Genetics (formerly Invitae), Labcorp
Classification: Uncertain significance. Last evaluated: 2024-04-24. Review status: criteria provided, single submitter. Criteria: Invitae Variant Classification Sherloc (09022015). Collection method: clinical testing. Allele origin: germline.
Comment: This sequence change replaces proline, which is neutral and non-polar, with threonine, which is neutral and polar, at codon 188 of the CCDC88A protein (p.Pro188Thr). This variant is not present in population databases (gnomAD no frequency). This variant has not been reported in the literature in individuals affected with CCDC88A-related conditions. ClinVar contains an entry for this variant (Variation ID: 1985086). An algorithm developed to predict the effect of missense changes on protein structure and function (PolyPhen-2) suggests that this variant is likely to be tolerated. In summary, the available evidence is currently insufficient to determine the role of this variant in disease. Therefore, it has been classified as a Variant of Uncertain Significance.

Ambry Genetics
Classification: Uncertain significance. Last evaluated: 2021-08-12. Review status: criteria provided, single submitter. Criteria: Ambry Variant Classification Scheme 2023. Collection method: clinical testing. Allele origin: germline.

NM_001365480.1(CCDC88A):c.562C>A (p.Pro188Thr)

Gene: CCDC88A (coiled-coil and HOOK domain protein 88A; minus strand). Cytogenetic location: 2p16.1.
Variant type: single nucleotide variant.
Coding change: c.562C>A on transcript NM_001365480.1 (MANE Select); coding-DNA position 562, C replaced by A.
Protein change: p.Pro188Thr; replaces proline 188 with threonine.
Molecular consequence: missense variant.
Genome position (GRCh38, 1-based): chr2:55,362,373, G>T on the plus strand (C>A on the coding strand, the complement: CCDC88A is on the minus strand). VCF-style: chr2-55362373-G-T. GRCh37 (hg19) VCF-style: chr2-55589509-G-T.
Other names: c.562C>A, p.Pro188Thr (NM_001135597.2, NM_001254943.2, NM_018084.5); short protein forms P188T.
Identifiers: ClinVar variation 1985086 (VCV001985086.4), dbSNP rs1481985104, ClinGen allele CA346910344.